The following is an entry in ClinVar:

ClinVar aggregate classification (germline): Uncertain significance. Review status: criteria provided, multiple submitters, no conflicts (2 of 4 stars). 2 submissions from 2 submitters: Uncertain significance (2). Last evaluated 2025-09-02.

Allele frequency attached by ClinVar (database versions not stated): gnomAD 0.00005; gnomAD exomes 0.00005; TOPMed 0.00008; ExAC 0.00012; ESP Exome Variant Server 0.00015.
gnomAD v4.1: 76 of 1,610,028 alleles (0.0047%); highest among the groups gnomAD compares: Middle Eastern, 0.022%; no homozygotes.

Submissions (2):

Women's Health and Genetics/Laboratory Corporation of America, LabCorp
Classification: Uncertain significance. Last evaluated: 2025-09-02. Review status: criteria provided, single submitter. Criteria: LabCorp Variant Classification Summary - May 2015. Collection method: clinical testing. Allele origin: germline.
Comment: Variant summary: PKD1 c.4510G>A (p.Asp1504Asn) results in a conservative amino acid change in the encoded protein sequence. Algorithms developed to predict the effect of missense changes on protein structure and function are either unavailable or do not agree on the potential impact of this missense change. The variant allele was found at a frequency of 0.00011 in 247868 control chromosomes. This frequency is not significantly higher than estimated for disease-causing variants in PKD1, allowing no conclusion about variant significance. To our knowledge, no occurrence of c.4510G>A in individuals affected with PKD1-related conditions and no experimental evidence demonstrating its impact on protein function have been reported. ClinVar contains an entry for this variant (Variation ID: 3025629). Based on the evidence outlined above, the variant was classified as uncertain significance.

CeGaT Center for Human Genetics Tuebingen
Classification: Uncertain significance. Last evaluated: 2023-12-01. Review status: criteria provided, single submitter. Criteria: CeGaT Center For Human Genetics Tuebingen Variant Classification Criteria Version 2. Collection method: clinical testing. Allele origin: germline. Affected: yes. Observed: 1 variant allele.

NM_001009944.3(PKD1):c.4510G>A (p.Asp1504Asn)

Gene: PKD1 (polycystin 1, transient receptor potential channel interacting; minus strand). Cytogenetic location: 16p13.3.
Variant type: single nucleotide variant.
Coding change: c.4510G>A on transcript NM_001009944.3 (MANE Select); coding-DNA position 4510, G replaced by A.
Protein change: p.Asp1504Asn; replaces aspartic acid 1504 with asparagine.
Molecular consequence: missense variant.
Genome position (GRCh38, 1-based): chr16:2,110,657, C>T on the plus strand (G>A on the coding strand, the complement: PKD1 is on the minus strand). VCF-style: chr16-2110657-C-T. GRCh37 (hg19) VCF-style: chr16-2160658-C-T.
Other names: c.4510G>A, p.Asp1504Asn (NM_000296.4); short protein forms D1504N.
Identifiers: ClinVar variation 3025629 (VCV003025629.22), dbSNP rs138882156, ClinGen allele CA7832350.